The following is an entry in ClinVar:

NM_152503.8(MROH8):c.123_151dup (p.His51fs)

Genes: MROH8 (maestro heat like repeat family member 8; minus strand), RPN2 (ribophorin II; plus strand). Cytogenetic location: 20q11.23.
Variant type: Duplication.
Coding change: c.123_151dup on transcript NM_152503.8 (MANE Select); coding-DNA positions 123 to 151, 29 bases duplicated (CCACGCGCAACTCCTCACCCGGCGGCGCC).
Protein change: p.His51fs; shifts the reading frame from histidine 51.
Molecular consequence: frameshift variant. On other transcripts: splice donor variant (9), initiator codon variant (8).
Genome position (GRCh38, 1-based): chr20:37,179,359-37,179,387, GGCGCCGCCGGGTGAGGAGTTGCGCGTGG duplicated on the plus strand (CCACGCGCAACTCCTCACCCGGCGGCGCC on the coding strand, the reverse complement: MROH8 is on the minus strand). VCF-style (leftmost placement, unchanged base first): chr20-37179358-T-TGGCGCCGCCGGGTGAGGAGTTGCGCGTGG. GRCh37 (hg19) VCF-style: chr20-35807761-T-TGGCGCCGCCGGGTGAGGAGTTGCGCGTGG.
Other names: c.123_151dup, p.His51fs (NM_213631.3, NM_213632.3); c.3_13+18dup (NM_001324301.2, NM_001324305.2, NM_001324304.2 and 5 more transcripts); c.-197_-187+18dup (NM_001324306.2); short protein forms H51fs.
Identifiers: ClinVar variation 403105 (VCV000403105.5), dbSNP rs1064792904, ClinGen allele CA16609780.

ClinVar aggregate classification (germline): Benign (1 of 4 stars; one submission).

Submission:

Laboratory for Molecular Medicine, Mass General Brigham Personalized Medicine
Classification: Benign. Last evaluated: 2016-03-29. Review status: criteria provided, single submitter. Criteria: LMM Criteria. Collection method: clinical testing. Allele origin: germline.
Comment: Variant identified in a genome or exome case(s) and assessed due to predicted null impact of the variant or pathogenic assertions in the literature or databases. Disclaimer: This variant has not undergone full assessment. The following are preliminary notes: Frequency